The following is an entry in ClinVar:

NM_000179.3(MSH6):c.672_698del (p.Glu224_Pro233delinsAsp)

Gene: MSH6 (mutS homolog 6; plus strand). Cytogenetic location: 2p16.3.
Variant type: Deletion.
Coding change: c.672_698del on transcript NM_000179.3 (MANE Select); coding-DNA positions 672 to 698, 27 bases deleted (AATTGAGAGTGAAGAGGAAGTACAGCC).
Protein change: p.Glu224_Pro233delinsAsp.
Molecular consequence: inframe indel. On other transcripts: 5 prime UTR variant (2).
Genome position (GRCh38, 1-based): chr2:47,798,655-47,798,681, AATTGAGAGTGAAGAGGAAGTACAGCC deleted. VCF-style (leftmost placement, unchanged base first): chr2-47798654-AAATTGAGAGTGAAGAGGAAGTACAGCC-A. GRCh37 (hg19) VCF-style: chr2-48025793-AAATTGAGAGTGAAGAGGAAGTACAGCC-A.
Other names: c.282_308del, p.Glu94_Pro103delinsAsp (NM_001281492.2); c.-235_-209del (NM_001281493.2, NM_001281494.2); c.768_794del27, p.Glu256_Pro265delinsAsp (NM_001406795.1, NM_001406802.1); c.672_698del27, p.Glu224_Pro233delinsAsp (NM_001406796.1, NM_001406798.1, NM_001406800.1 and 4 more transcripts); c.375_401del27, p.Glu125_Pro134delinsAsp (NM_001406797.1, NM_001406801.1, NM_001406805.1 and 10 more transcripts); c.147_173del27, p.Glu49_Pro58delinsAsp (NM_001406799.1, NM_001406806.1, NM_001406807.1); c.594_620del27, p.Glu198_Pro207delinsAsp (NM_001406804.1); c.-235_-209del27 (NM_001406811.1, NM_001406812.1, NM_001406814.1 and 4 more transcripts); and 2 more.
Identifiers: ClinVar variation 1963329 (VCV001963329.2), dbSNP rs2530564847, ClinGen allele CA2580067207.

ClinVar aggregate classification (germline): Uncertain significance (1 of 4 stars; one submission).

Conditions:
Hereditary nonpolyposis colorectal neoplasms. Identifiers: MedGen C0009405, MeSH D003123.

Submission:

Labcorp Genetics (formerly Invitae), Labcorp
Classification: Uncertain significance for Hereditary nonpolyposis colorectal neoplasms. Last evaluated: 2021-08-03. Review status: criteria provided, single submitter. Criteria: Invitae Variant Classification Sherloc (09022015). Collection method: clinical testing. Allele origin: germline.
Comment: This variant, c.672_698del, is a complex sequence change that results in the deletion of 10 and insertion of 1 amino acid(s) in the MSH6 protein (p.Glu224_Pro233delinsAsp). This variant is not present in population databases (ExAC no frequency). This variant has not been reported in the literature in individuals affected with MSH6-related conditions. Experimental studies and prediction algorithms are not available or were not evaluated, and the functional significance of this variant is currently unknown. In summary, the available evidence is currently insufficient to determine the role of this variant in disease. Therefore, it has been classified as a Variant of Uncertain Significance.